The following is an entry in ClinVar:

NM_004655.4(AXIN2):c.2218C>A (p.Pro740Thr)

Gene: AXIN2 (axin 2; minus strand). Cytogenetic location: 17q24.1.
Variant type: single nucleotide variant.
Coding change: c.2218C>A on transcript NM_004655.4 (MANE Select); coding-DNA position 2218, C replaced by A.
Protein change: p.Pro740Thr; replaces proline 740 with threonine.
Molecular consequence: missense variant.
Genome position (GRCh38, 1-based): chr17:65,535,645, G>T on the plus strand (C>A on the coding strand, the complement: AXIN2 is on the minus strand). VCF-style: chr17-65535645-G-T. GRCh37 (hg19) VCF-style: chr17-63531763-G-T.
Other names: c.2023C>A, p.Pro675Thr (NM_001363813.1); short protein forms P675T, P740T.
Identifiers: ClinVar variation 1489060 (VCV001489060.6), dbSNP rs370503213, ClinGen allele CA400675732.

ClinVar aggregate classification (germline): Uncertain significance (1 of 4 stars; one submission).

Conditions:
Oligodontia-cancer predisposition syndrome. Also called: TOOTH AGENESIS-COLORECTAL CANCER SYNDROME. Identifiers: Orphanet 300576, MedGen C1837750, MONDO:0012075, OMIM 608615. Disease mechanism: loss of function.

Submission:

Labcorp Genetics (formerly Invitae), Labcorp
Classification: Uncertain significance for Oligodontia-cancer predisposition syndrome. Last evaluated: 2021-07-28. Review status: criteria provided, single submitter. Criteria: Invitae Variant Classification Sherloc (09022015). Collection method: clinical testing. Allele origin: germline.
Comment: In summary, the available evidence is currently insufficient to determine the role of this variant in disease. Therefore, it has been classified as a Variant of Uncertain Significance. Algorithms developed to predict the effect of missense changes on protein structure and function output the following: SIFT: "Tolerated"; PolyPhen-2: "Benign"; Align-GVGD: "Class C0". The threonine amino acid residue is found in multiple mammalian species, which suggests that this missense change does not adversely affect protein function. This variant has not been reported in the literature in individuals affected with AXIN2-related conditions. This variant is not present in population databases (ExAC no frequency). This sequence change replaces proline with threonine at codon 740 of the AXIN2 protein (p.Pro740Thr). The proline residue is moderately conserved and there is a small physicochemical difference between proline and threonine.